The following is an entry in ClinVar:

NM_003640.5(ELP1):c.2265_2274dup (p.Asn759delinsLeuTer)

Gene: ELP1 (elongator acetyltransferase complex subunit 1; minus strand). Cytogenetic location: 9q31.3.
Variant type: Duplication.
Coding change: c.2265_2274dup on transcript NM_003640.5 (MANE Select); coding-DNA positions 2265 to 2274, 10 bases duplicated (TTATGATCAT; older notation c.2265_2274dupTTATGATCAT).
Protein change: p.Asn759delinsLeuTer.
Molecular consequence: nonsense.
Genome position (GRCh38, 1-based): chr9:108,898,680-108,898,689, ATGATCATAA duplicated on the plus strand (TTATGATCAT on the coding strand, the reverse complement: ELP1 is on the minus strand); duplicating any 10 consecutive bases within chr9:108,898,680-108,898,691 gives the same sequence; the c. name uses the placement nearest the transcript's 3' end. VCF-style (leftmost placement, unchanged base first): chr9-108898679-T-TATGATCATAA. GRCh37 (hg19) VCF-style: chr9-111660959-T-TATGATCATAA.
Other names: c.1923_1932dup, p.Asn645delinsLeuTer (NM_001318360.2); c.1218_1227dup, p.Asn410delinsLeuTer (NM_001330749.2).
Identifiers: ClinVar variation 5013583 (VCV005013583.1).

ClinVar aggregate classification (germline): Pathogenic (1 of 4 stars; one submission).

Conditions:
Familial dysautonomia. Also called: HSAN III; FD. Identifiers: Orphanet 1764, MedGen C0013364, MONDO:0009131, OMIM 223900. Disease mechanism: loss of function.

Submission:

Myriad Genetics, Inc.
Classification: Pathogenic for Familial dysautonomia. Last evaluated: 2024-09-26. Review status: criteria provided, single submitter. Criteria: Myriad Autosomal Dominant, Autosomal Recessive and X-Linked Classification Criteria (2023). Collection method: clinical testing. Allele origin: unknown.
Comment: NM_003640.3(ELP1):c.2265_2274dup10(N759Lfs*2) is expected to be pathogenic in the context of familial dysautonomia. This variant is predicted to lead to an abnormal or absent protein product due to the creation of a premature termination codon in ELP1, a gene where loss-of-function variants are known to be pathogenic. Please note: this variant was assessed in the context of healthy population screening.